The following is an entry in ClinVar:

NM_004447.6(EPS8):c.366+5G>A

Gene: EPS8 (EGFR pathway substrate 8, signaling adaptor; minus strand). Cytogenetic location: 12p12.3.
Variant type: single nucleotide variant.
Coding change: c.366+5G>A on transcript NM_004447.6 (MANE Select); 5 bases into the intron after coding-DNA position 366, G replaced by A.
Molecular consequence: intron variant.
Genome position (GRCh38, 1-based): chr12:15,669,659, C>T on the plus strand (G>A on the coding strand, the complement: EPS8 is on the minus strand). VCF-style: chr12-15669659-C-T. GRCh37 (hg19) VCF-style: chr12-15822593-C-T.
Identifiers: ClinVar variation 1878869 (VCV001878869.1), dbSNP rs765982473, ClinGen allele CA6467903.
Genomic context (GRCh38, chr12:15,669,659, plus strand): 5'-GATTGTAAACATTAATATTTGTGGAGTTTCTTGAAAATAAAATAGTATAAATTTTACACA[C>T]TTGCCTTTGATTCTAAATCAATCAGGCTCACAGCTCTGTCATCCACTTGAAGAATCATAT-3'

ClinVar aggregate classification (germline): Uncertain significance (1 of 4 stars; one submission).

Allele frequency attached by ClinVar (database versions not stated): TOPMed below 0.00001; ExAC 0.00001; gnomAD 0.00001; gnomAD exomes 0.00003.
gnomAD v4.1: 46 of 1,588,190 alleles (0.0029%); highest among the groups gnomAD compares: Non-Finnish European, 0.0038%; no homozygotes.

Submission:

GeneDx
Classification: Uncertain significance. Last evaluated: 2022-07-12. Review status: criteria provided, single submitter. Criteria: GeneDx Variant Classification Process June 2021. Collection method: clinical testing. Allele origin: germline. Affected: yes.
Comment: Intronic +5 splice site variant in a gene for which loss of function is a known mechanism of disease, and both splice predictors and evolutionary conservation support a deleterious effect, although in the absence of functional evidence the actual effect of this sequence change is unknown.; Not observed at significant frequency in large population cohorts (gnomAD); Has not been previously published as pathogenic or benign to our knowledge